The following is an entry in ClinVar:

NM_001540.5(HSPB1):c.181GCC[3] (p.Ala62dup)

Gene: HSPB1 (heat shock protein family B (small) member 1; plus strand). Cytogenetic location: 7q11.23.
Variant type: Microsatellite.
Coding change: c.181GCC[3] on transcript NM_001540.5 (MANE Select); three copies in a row of the 3-base unit GCC starting at c.181; the reference has two copies in a row; one copy, 3 bases duplicated.
Protein change: p.Ala62dup; duplicates alanine 62.
Molecular consequence: inframe insertion.
Genome position (GRCh38, 1-based): chr7:76,302,896-76,302,898, GCC duplicated; duplicating any 3 consecutive bases within chr7:76,302,891-76,302,898 gives the same sequence; the position shown is the placement nearest the transcript's 3' end. VCF-style (leftmost placement, unchanged base first): chr7-76302890-C-CCCG. GRCh37 (hg19) VCF-style: chr7-75932207-C-CCCG.
Identifiers: ClinVar variation 1007673 (VCV001007673.8), dbSNP rs748560388, ClinGen allele CA4306282.
Genomic context (GRCh38, chr7:76,302,890, plus strand): 5'-GAGGAGTGGTCGCAGTGGTTAGGCGGCAGCAGCTGGCCAGGCTACGTGCGCCCCCTGCCC[C>CCCG]CCGCCGCCATCGAGAGCCCCGCAGTGGCCGCGCCCGCCTACAGCCGCGCGCTCAGCCGGC-3'

ClinVar aggregate classification (germline): Uncertain significance (1 of 4 stars; one submission).

Conditions:
Charcot-Marie-Tooth disease axonal type 2F (CMT2F). Also called: CHARCOT-MARIE-TOOTH DISEASE, NEURONAL, TYPE 2F; Charcot-Marie-Tooth Neuropathy Type 2F. Identifiers: Orphanet 99940, MedGen C1847823, MONDO:0011687, OMIM 606595.

Submission:

Labcorp Genetics (formerly Invitae), Labcorp
Classification: Uncertain significance for Charcot-Marie-Tooth disease axonal type 2F. Last evaluated: 2022-08-15. Review status: criteria provided, single submitter. Criteria: Invitae Variant Classification Sherloc (09022015). Collection method: clinical testing. Allele origin: germline.
Comment: In summary, the available evidence is currently insufficient to determine the role of this variant in disease. Therefore, it has been classified as a Variant of Uncertain Significance. Experimental studies and prediction algorithms are not available or were not evaluated, and the functional significance of this variant is currently unknown. This variant has not been reported in the literature in individuals affected with HSPB1-related conditions. This variant is present in population databases (rs748560388, gnomAD 0.02%). This variant, c.184_186dup, results in the insertion of 1 amino acid(s) of the HSPB1 protein (p.Ala62dup), but otherwise preserves the integrity of the reading frame.